The following is an entry in ClinVar:

ClinVar aggregate classification (germline): Conflicting classifications of pathogenicity. Review status: criteria provided, conflicting classifications (1 of 4 stars). 3 submissions from 3 submitters: Uncertain significance (1); Likely benign (2). Last evaluated 2026-02-01.

Conditions:
DICER1-related tumor predisposition. Also called: DICER1 syndrome; DICER1-related pleuropulmonary blastoma cancer predisposition syndrome. Identifiers: Orphanet 284343, MedGen C3839822, MONDO:0100216.
Hereditary cancer-predisposing syndrome. Also called: Tumor predisposition; Hereditary neoplastic syndrome; Hereditary Cancer Syndrome; Neoplastic Syndromes, Hereditary. Identifiers: Orphanet 140162, MedGen C0027672, MeSH D009386, MONDO:0015356.

Submissions (3):

CeGaT Center for Human Genetics Tuebingen
Classification: Likely benign. Last evaluated: 2026-02-01. Review status: criteria provided, single submitter. Criteria: CeGaT Center For Human Genetics Tuebingen Variant Classification Criteria Version 2. Collection method: clinical testing. Allele origin: germline. Affected: yes. Observed: 1 variant allele.
Comment: DICER1: PM2:Supporting, BP4, BP7

Labcorp Genetics (formerly Invitae), Labcorp
Classification: Uncertain significance for DICER1-related tumor predisposition. Last evaluated: 2026-01-19. Review status: criteria provided, single submitter. Criteria: Invitae Variant Classification Sherloc (09022015). Collection method: clinical testing. Allele origin: germline.
Comment: This sequence change affects codon 636 of the DICER1 mRNA. It is a 'silent' change, meaning that it does not change the encoded amino acid sequence of the DICER1 protein. It affects a nucleotide within the consensus splice site. This variant is not present in population databases (gnomAD no frequency). This variant has not been reported in the literature in individuals affected with DICER1-related conditions. ClinVar contains an entry for this variant (Variation ID: 412162). Algorithms developed to predict the effect of sequence changes on RNA splicing suggest that this variant is not likely to affect RNA splicing. In summary, the available evidence is currently insufficient to determine the role of this variant in disease. Therefore, it has been classified as a Variant of Uncertain Significance.

Ambry Genetics
Classification: Likely benign for Hereditary cancer-predisposing syndrome. Last evaluated: 2025-08-05. Review status: criteria provided, single submitter. Criteria: Ambry Variant Classification Scheme 2023. Collection method: clinical testing. Allele origin: germline.

NM_177438.3(DICER1):c.1908A>G (p.Arg636=)

Gene: DICER1 (dicer 1, ribonuclease III; minus strand). Cytogenetic location: 14q32.13.
Variant type: single nucleotide variant.
Coding change: c.1908A>G on transcript NM_177438.3 (MANE Select); coding-DNA position 1908, A replaced by G.
Protein change: p.Arg636=; no amino-acid change (arginine 636 retained).
Molecular consequence: synonymous variant.
Genome position (GRCh38, 1-based): chr14:95,113,224, T>C on the plus strand (A>G on the coding strand, the complement: DICER1 is on the minus strand). VCF-style: chr14-95113224-T-C. GRCh37 (hg19) VCF-style: chr14-95579561-T-C.
Other names: c.1908A>G, p.Arg636= (NM_001195573.1, NM_001271282.3, NM_001291628.2 and 1 more transcripts).
Identifiers: ClinVar variation 412162 (VCV000412162.15), dbSNP rs1060503647, ClinGen allele CA16614675.
Genomic context (GRCh38, chr14:95,113,224, plus strand): 5'-TCGGGTTCTGCATTTAGGAGCTAGATGAGTAAACGGATCACTTGGTAATCTAGCACAGTA[T>C]CTGTGAAGAAAAAGAAATTCTGAGGCTGAATCTACAACTGAGAAAATATTGATATTTATA-3'
Protein context (NP_803187.1, residues 626-646): TINTAIGHIN[Arg636=]YCARLPSDPF